The following is an entry in ClinVar:

ClinVar aggregate classification (germline): Uncertain significance (1 of 4 stars; one submission).

Conditions:
Developmental and epileptic encephalopathy, 65. Also called: EPILEPTIC ENCEPHALOPATHY, EARLY INFANTILE, 65. Identifiers: MedGen C4693925, MONDO:0033374, OMIM 618008.

Submission:

Juno Genomics, Hangzhou Juno Genomics, Inc
Classification: Uncertain significance for Developmental and epileptic encephalopathy, 65. Review status: criteria provided, single submitter. Criteria: ACMG Guidelines, 2015. Collection method: clinical testing. Allele origin: germline.
Comment: Absent from controls (or at extremely low frequency if recessive) in Genome Aggregation Database.;Multiple lines of computational evidence support a deleterious effect on the gene or gene product.;Missense variant in a gene that has a low rate of benign missense variation.

NM_001037333.3(CYFIP2):c.431G>A (p.Cys144Tyr)

Gene: CYFIP2 (cytoplasmic FMR1 interacting protein 2; plus strand). Cytogenetic location: 5q33.3.
Variant type: single nucleotide variant.
Coding change: c.431G>A on transcript NM_001037333.3 (MANE Select); coding-DNA position 431, G replaced by A.
Protein change: p.Cys144Tyr; replaces cysteine 144 with tyrosine.
Molecular consequence: missense variant.
Genome position (GRCh38, 1-based): chr5:157,300,758, G>A. VCF-style: chr5-157300758-G-A. GRCh37 (hg19) VCF-style: chr5-156727766-G-A.
Other names: c.353G>A, p.Cys118Tyr (NM_001291721.2); c.431G>A, p.Cys144Tyr (NM_001291722.2, NM_014376.4); short protein forms C118Y, C144Y.
Identifiers: ClinVar variation 5019427 (VCV005019427.2).